The following is an entry in ClinVar:

ClinVar aggregate classification (germline): Likely benign. Review status: criteria provided, multiple submitters, no conflicts (2 of 4 stars). 6 submissions from 6 submitters: Likely benign (6). Last evaluated 2026-04-01.

Conditions:
Cardiovascular phenotype. Identifiers: MedGen CN230736.
MYH6-related disorder. Also called: MYH6-related condition; MYH6-Related Disorders.
Hypertrophic cardiomyopathy 14. Identifiers: MedGen C2750467, MONDO:0013197, OMIM 613251.

Allele frequency attached by ClinVar (database versions not stated): gnomAD 0.00001; TOPMed 0.00001; gnomAD exomes 0.00002; ExAC 0.00003.
gnomAD v4.1: 21 of 1,610,966 alleles (0.0013%); highest among the groups gnomAD compares: Middle Eastern, 0.068%; no homozygotes.

Submissions (6):

CeGaT Center for Human Genetics Tuebingen
Classification: Likely benign. Last evaluated: 2026-04-01. Review status: criteria provided, single submitter. Criteria: CeGaT Center For Human Genetics Tuebingen Variant Classification Criteria Version 2. Collection method: clinical testing. Allele origin: germline. Affected: yes. Observed: 1 variant allele.
Comment: MYH6: BP4, BP7

PreventionGenetics, part of Exact Sciences
Classification: Likely benign for MYH6-related condition. Last evaluated: 2025-05-13. Review status: criteria provided, single submitter. Criteria: ACMG Guidelines, 2015. Collection method: clinical testing. Allele origin: germline.
Comment: This variant is classified as likely benign based on ACMG/AMP sequence variant interpretation guidelines (Richards et al. 2015 PMID: 25741868, with internal and published modifications).

Labcorp Genetics (formerly Invitae), Labcorp
Classification: Likely benign for Hypertrophic cardiomyopathy 14. Last evaluated: 2025-03-26. Review status: criteria provided, single submitter. Criteria: Invitae Variant Classification Sherloc (09022015). Collection method: clinical testing. Allele origin: germline.

Blueprint Genetics
Classification: Likely benign. Last evaluated: 2022-11-24. Review status: criteria provided, single submitter. Criteria: ACMG Guidelines, 2015. Collection method: clinical testing. Allele origin: germline.

ARUP Laboratories, Molecular Genetics and Genomics, ARUP Laboratories
Classification: Likely benign. Last evaluated: 2020-04-09. Review status: criteria provided, single submitter. Criteria: ARUP Molecular Germline Variant Investigation Process. Collection method: clinical testing. Allele origin: germline.

Ambry Genetics
Classification: Likely benign for Cardiovascular phenotype. Last evaluated: 2019-08-30. Review status: criteria provided, single submitter. Criteria: Ambry Variant Classification Scheme 2023. Collection method: clinical testing. Allele origin: germline.

NM_002471.4(MYH6):c.5553G>A (p.Glu1851=)

Gene: MYH6 (myosin heavy chain 6; minus strand). Cytogenetic location: 14q11.2.
Variant type: single nucleotide variant.
Coding change: c.5553G>A on transcript NM_002471.4 (MANE Select); coding-DNA position 5553, G replaced by A.
Protein change: p.Glu1851=; no amino-acid change (glutamic acid 1851 retained).
Molecular consequence: synonymous variant.
Genome position (GRCh38, 1-based): chr14:23,384,454, C>T on the plus strand (G>A on the coding strand, the complement: MYH6 is on the minus strand). VCF-style: chr14-23384454-C-T. GRCh37 (hg19) VCF-style: chr14-23853663-C-T.
Identifiers: ClinVar variation 470548 (VCV000470548.25), dbSNP rs763313787, ClinGen allele CA7114401.